The following is an entry in ClinVar:

ClinVar aggregate classification (germline): Likely benign (1 of 4 stars; one submission).

gnomAD v4.1: 24 of 1,614,002 alleles (0.0015%); highest among the groups gnomAD compares: East Asian, 0.0045%; no homozygotes.

Submission:

CeGaT Center for Human Genetics Tuebingen
Classification: Likely benign. Last evaluated: 2025-03-01. Review status: criteria provided, single submitter. Criteria: CeGaT Center For Human Genetics Tuebingen Variant Classification Criteria Version 2. Collection method: clinical testing. Allele origin: germline. Affected: yes. Observed: 1 variant allele.
Comment: ERCC6: BP4, BP7; PGBD3: BP4, BP7

NM_001277058.2(ERCC6):c.1773C>T (p.Pro591=)

Genes: ERCC6 (ERCC excision repair 6, chromatin remodeling factor; minus strand), PGBD3 (piggyBac transposable element derived 3; minus strand). Cytogenetic location: 10q11.23.
Variant type: single nucleotide variant.
Coding change: c.1773C>T on transcript NM_001277058.2 (MANE Plus Clinical); coding-DNA position 1773, C replaced by T.
Protein change: p.Pro591=; no amino-acid change (proline 591 retained).
Molecular consequence: synonymous variant. On other transcripts: intron variant (2).
Genome position (GRCh38, 1-based): chr10:49,516,746, G>A on the plus strand (C>T on the coding strand, the complement: ERCC6 is on the minus strand). VCF-style: chr10-49516746-G-A. GRCh37 (hg19) VCF-style: chr10-50724792-G-A.
Other names: c.1397+7287C>T (NM_001346440.2, NM_000124.4); c.1773C>T, p.Pro591= (NM_001277059.2); c.369C>T, p.Pro123= (NM_170753.3).
Identifiers: ClinVar variation 3778025 (VCV003778025.7).